The following is an entry in ClinVar:

NM_001330260.2(SCN8A):c.5138C>A (p.Pro1713His)

Gene: SCN8A (sodium voltage-gated channel alpha subunit 8; plus strand). Cytogenetic location: 12q13.13.
Variant type: single nucleotide variant.
Coding change: c.5138C>A on transcript NM_001330260.2 (MANE Select); coding-DNA position 5138, C replaced by A.
Protein change: p.Pro1713His; replaces proline 1713 with histidine.
Molecular consequence: missense variant.
Genome position (GRCh38, 1-based): chr12:51,806,624, C>A. VCF-style: chr12-51806624-C-A. GRCh37 (hg19) VCF-style: chr12-52200408-C-A.
Other names: c.5138C>A (NM_014191.3); c.5015C>A, p.Pro1672His (NM_001177984.3, NM_001369788.1); c.5138C>A, p.Pro1713His (NM_014191.4); short protein forms P1713H, P1672H.
Identifiers: ClinVar variation 2099771 (VCV002099771.6), dbSNP rs2540334268, ClinGen allele CA384883710.

ClinVar aggregate classification (germline): Uncertain significance. Review status: criteria provided, multiple submitters, no conflicts (2 of 4 stars). 2 submissions from 2 submitters: Uncertain significance (2). Last evaluated 2026-01-25.

Conditions:
Early-infantile DEE. Also called: Early infantile epileptic encephalopathy; Early infantile epileptic encephalopathy with suppression bursts; Ohtahara syndrome. Identifiers: Orphanet 1934, MedGen C0393706, MONDO:0800491.

Submissions (2):

GeneDx
Classification: Uncertain significance. Last evaluated: 2026-01-25. Review status: criteria provided, single submitter. Criteria: GeneDx Variant Classification Process June 2021. Collection method: clinical testing. Allele origin: germline. Affected: yes.
Comment: Not observed at significant frequency in large population cohorts (gnomAD); In silico analysis supports that this missense variant has a deleterious effect on protein structure/function; Has not been previously published as pathogenic or benign to our knowledge

Labcorp Genetics (formerly Invitae), Labcorp
Classification: Uncertain significance for Early-infantile DEE. Last evaluated: 2022-02-19. Review status: criteria provided, single submitter. Criteria: Invitae Variant Classification Sherloc (09022015). Collection method: clinical testing. Allele origin: germline.
Comment: In summary, the available evidence is currently insufficient to determine the role of this variant in disease. Therefore, it has been classified as a Variant of Uncertain Significance. Algorithms developed to predict the effect of missense changes on protein structure and function are either unavailable or do not agree on the potential impact of this missense change (SIFT: "Deleterious"; PolyPhen-2: "Probably Damaging"; Align-GVGD: "Class C0"). This variant has not been reported in the literature in individuals affected with SCN8A-related conditions. This variant is not present in population databases (gnomAD no frequency). This sequence change replaces proline, which is neutral and non-polar, with histidine, which is basic and polar, at codon 1713 of the SCN8A protein (p.Pro1713His).